The following is an entry in ClinVar:

ClinVar aggregate classification (germline): Pathogenic. Review status: reviewed by expert panel (3 of 4 stars). 19 submissions from 19 submitters: Pathogenic (1). 18 of the submissions do not count toward it. Last evaluated 2016-09-08.

Conditions:
BRCA1-related cancer predisposition. Identifiers: MedGen CN377757, MONDO:0700268.
Hereditary cancer-predisposing syndrome. Also called: Neoplastic Syndromes, Hereditary; Tumor predisposition; Hereditary neoplastic syndrome; Hereditary Cancer Syndrome. Identifiers: Orphanet 140162, MedGen C0027672, MeSH D009386, MONDO:0015356.
Hereditary breast ovarian cancer syndrome. Also called: BRCA1- and BRCA2-Associated Hereditary Breast and Ovarian Cancer; Hereditary breast and/or ovarian cancer syndrome; Hereditary breast and ovarian cancer syndrome; Hereditary breast and ovarian cancer syndrome (HBOC); Hereditary breast and ovarian cancer; Breast and ovarian cancer. Identifiers: Orphanet 145, MedGen C0677776, MeSH D061325, MONDO:0003582. Disease mechanism: loss of function.
Familial cancer of breast. Also called: Hereditary breast cancer; hereditary breast carcinoma; BREAST CANCER, FAMILIAL. Identifiers: Orphanet 227535, MedGen C0346153, MONDO:0016419, OMIM 114480. Disease mechanism: loss of function.
Breast-ovarian cancer, familial, susceptibility to, 1 (BROVCA1). Also called: BRCA1 Hereditary Breast and Ovarian Cancer; OVARIAN CANCER, SUSCEPTIBILITY TO. Identifiers: Orphanet 145, MedGen C2676676, MONDO:0011450, OMIM 604370. Disease mechanism: loss of function.

Submissions 1 to 11 of 19:

Evidence-based Network for the Interpretation of Germline Mutant Alleles (ENIGMA)
Classification: Pathogenic for Breast-ovarian cancer, familial, susceptibility to, 1. Last evaluated: 2016-09-08. Review status: reviewed by expert panel. Criteria: ENIGMA BRCA1/2 Classification Criteria (2015). Collection method: curation. Allele origin: germline.
Comment: Variant allele predicted to encode a truncated non-functional protein.

Institute of Human Genetics, University of Leipzig Medical Center
Classification: Pathogenic for Breast-ovarian cancer, familial, susceptibility to, 1. Last evaluated: 2026-07-27. Review status: criteria provided, single submitter. Criteria: ACMG Guidelines, 2015. Collection method: clinical testing. Allele origin: unknown. Inheritance: Autosomal dominant inheritance. Affected: yes. Not counted in ClinVar's aggregate classification.
Comment: Criteria applied: PVS1,PM5_STR,PP4_STR,PM2_SUP

GeneDx
Classification: Pathogenic. Last evaluated: 2025-12-08. Review status: criteria provided, single submitter. Criteria: GeneDx Variant Classification Process June 2021. Collection method: clinical testing. Allele origin: germline. Affected: yes. Not counted in ClinVar's aggregate classification.
Comment: Observed in individuals with a personal or family history consistent with pathogenic variants in this gene (PMID: 29368341, 30982232, 23704984); Nonsense variant predicted to result in protein truncation or nonsense mediated decay in a gene for which loss of function is a known mechanism of disease; Not observed at significant frequency in large population cohorts (gnomAD); Truncating variants in this gene are considered pathogenic by a well-established clinical consortium and/or database; Also known as 4508C>A; This variant is associated with the following publications: (PMID: 23704984, 12112659, 12491487, 21993507, 28152038, 11748305, 30787465, 29368341, 30982232, 31825140, 29446198, 31853058, 30702160, 30797618, 35837282)

Labcorp Genetics (formerly Invitae), Labcorp
Classification: Pathogenic for Hereditary breast ovarian cancer syndrome. Last evaluated: 2025-09-20. Review status: criteria provided, single submitter. Criteria: Invitae Variant Classification Sherloc (09022015). Collection method: clinical testing. Allele origin: germline. Not counted in ClinVar's aggregate classification.
Comment: This sequence change creates a premature translational stop signal (p.Tyr1463*) in the BRCA1 gene. It is expected to result in an absent or disrupted protein product. Loss-of-function variants in BRCA1 are known to be pathogenic (PMID: 20104584). This variant is not present in population databases (gnomAD no frequency). This premature translational stop signal has been observed in individual(s) with a personal and/or family history of breast cancer (PMID: 12491487, 21993507, 23704984). ClinVar contains an entry for this variant (Variation ID: 55187). RNA analysis performed to evaluate the impact of this premature translational stop signal on mRNA splicing indicates it does not significantly alter splicing (internal data). For these reasons, this variant has been classified as Pathogenic.

Department of Clinical Genetics, Copenhagen University Hospital, Rigshospitalet
Classification: Pathogenic for Familial cancer of breast. Last evaluated: 2025-07-02. Review status: criteria provided, single submitter. Criteria: ACMG Guidelines, 2015. Collection method: clinical testing. Allele origin: germline. Not counted in ClinVar's aggregate classification.
Comment: The following ACMG criteria has been used: PM2_SUP; PVS1; PM5_Strong_PTC

Center for Genomic Medicine, Rigshospitalet, Copenhagen University Hospital
Classification: Pathogenic. Last evaluated: 2025-03-04. Review status: criteria provided, single submitter. Criteria: ACMG Guidelines, 2015. Collection method: clinical testing. Allele origin: germline. Not counted in ClinVar's aggregate classification.

All of Us Research Program, National Institutes of Health
Classification: Pathogenic for BRCA1-related cancer predisposition. Last evaluated: 2024-09-23. Review status: criteria provided, single submitter. Criteria: ACMG Guidelines, 2015. Collection method: clinical testing. Allele origin: germline. Inheritance: Autosomal dominant inheritance. Observed: 1 variant allele, 1 heterozygote. Not counted in ClinVar's aggregate classification.
Comment: This variant changes 1 nucleotide in exon 13 of the BRCA1 gene, creating a premature translation stop signal. This variant is expected to result in an absent or non-functional protein product. To our knowledge, functional studies have not been reported for this variant. This variant has been reported in at least two individuals affected with breast cancer and an individual affected with prostate cancer (PMID: 21080930, 23704984, 29368341) and suspected hereditary breast and ovarian cancer families (PMID: 12491487, 18465347, 28294317). This variant has not been identified in the general population by the Genome Aggregation Database (gnomAD). Loss of BRCA1 function is a known mechanism of disease. Based on the available evidence, this variant is classified as Pathogenic.

This study involves interpretation of variants in research participants for the purpose of population health screening. Participant phenotype was not available at the time of variant classification. Additional details can be found in publication PMID: 35346344, PMCID: PMC8962531

Color Diagnostics, LLC DBA Color Health
Classification: Pathogenic for Hereditary cancer-predisposing syndrome. Last evaluated: 2024-07-17. Review status: criteria provided, single submitter. Criteria: ACMG Guidelines, 2015. Collection method: clinical testing. Allele origin: germline. Not counted in ClinVar's aggregate classification.
Comment: This variant changes 1 nucleotide in exon 13 of the BRCA1 gene, creating a premature translation stop signal. This variant is expected to result in an absent or non-functional protein product. To our knowledge, functional studies have not been reported for this variant. This variant has been reported in at least two individuals affected with breast cancer and an individual affected with prostate cancer (PMID: 21080930, 23704984, 29368341) and suspected hereditary breast and ovarian cancer families (PMID: 12491487, 18465347, 28294317). This variant has not been identified in the general population by the Genome Aggregation Database (gnomAD). Loss of BRCA1 function is a known mechanism of disease. Based on the available evidence, this variant is classified as Pathogenic.

Ambry Genetics
Classification: Pathogenic for Hereditary cancer-predisposing syndrome. Last evaluated: 2021-12-27. Review status: criteria provided, single submitter. Criteria: Ambry Variant Classification Scheme 2023. Collection method: clinical testing. Allele origin: germline. Not counted in ClinVar's aggregate classification.
Comment: The p.Y1463* pathogenic mutation (also known as c.4389C>A), located in coding exon 12 of the BRCA1 gene, results from a C to A substitution at nucleotide position 4389. This changes the amino acid from a tyrosine to a stop codon within coding exon 12. This alteration was seen in 1/150 unselected patients with recurrent or metastatic prostate cancer (Isaacsson Velho P et al. Prostate, 2018 04;78:401-407). This alteration was also identified in a large, worldwide study of BRCA1/2 mutation positive families (Rebbeck TR et al. Hum Mutat, 2018 05;39:593-620). This variant is considered to be rare based on population cohorts in the Genome Aggregation Database (gnomAD). In addition to the clinical data presented in the literature, this alteration is expected to result in loss of function by premature protein truncation or nonsense-mediated mRNA decay. As such, this alteration is interpreted as a disease-causing mutation.

Institute for Clinical Genetics, University Hospital TU Dresden, University Hospital TU Dresden
Classification: Pathogenic. Last evaluated: 2021-11-03. Review status: criteria provided, single submitter. Criteria: ACMG Guidelines, 2015. Collection method: clinical testing. Allele origin: germline. Not counted in ClinVar's aggregate classification.

Baylor Genetics
Classification: Pathogenic for Breast-ovarian cancer, familial, susceptibility to, 1. Last evaluated: 2021-06-03. Review status: criteria provided, single submitter. Criteria: ACMG Guidelines, 2015. Collection method: clinical testing. Allele origin: unknown. Not counted in ClinVar's aggregate classification.

NM_007294.4(BRCA1):c.4389C>A (p.Tyr1463Ter)

Gene: BRCA1 (BRCA1 DNA repair associated; minus strand). Cytogenetic location: 17q21.31.
Variant type: single nucleotide variant.
Coding change: c.4389C>A on transcript NM_007294.4 (MANE Select); coding-DNA position 4389, C replaced by A.
Protein change: p.Tyr1463Ter; replaces tyrosine 1463 with a stop codon.
Molecular consequence: nonsense. On other transcripts: non-coding transcript variant (1).
Genome position (GRCh38, 1-based): chr17:43,076,583, G>T on the plus strand (C>A on the coding strand, the complement: BRCA1 is on the minus strand). VCF-style: chr17-43076583-G-T. GRCh37 (hg19) VCF-style: chr17-41228600-G-T.
Other names: 4508C>A; c.4383C>A, p.Tyr1461Ter (NM_001407630.1, NM_001407631.1, NM_001407632.1 and 14 more transcripts); c.4380C>A, p.Tyr1460Ter (NM_001407644.1, NM_001407645.1); c.4377C>A, p.Tyr1459Ter (NM_001407646.1); c.4374C>A, p.Tyr1458Ter (NM_001407647.1); c.4332C>A, p.Tyr1444Ter (NM_001407648.1); c.4329C>A, p.Tyr1443Ter (NM_001407649.1); c.4389C>A, p.Tyr1463Ter (NM_001407652.1, NM_001407684.1, NM_001407854.1 and 8 more transcripts); and 69 more; short protein forms Y1463*, Y1416*, Y1484*, Y359*, Y1336*, Y1392*, Y1396*, Y1414*.
Identifiers: ClinVar variation 55187 (VCV000055187.34), dbSNP rs80356997, ClinGen allele CA002813.
Genomic context (GRCh38, chr17:43,076,583, plus strand): 5'-ACTATCTGCAGACACCTCAAACTTGTCAGCAGAAAGGCCTTCTGGATTCTGGCTTATAGG[G>T]TATTCACTACTTTTCTGTGAAGTTAATACTGCTTTAAATGGAATGAGAAAACAAATCTAC-3'